The following is an entry in ClinVar:

NM_000245.4(MET):c.31A>G (p.Ile11Val)

Gene: MET (MET proto-oncogene, receptor tyrosine kinase; plus strand). Cytogenetic location: 7q31.2.
Variant type: single nucleotide variant.
Coding change: c.31A>G on transcript NM_000245.4 (MANE Select); coding-DNA position 31, A replaced by G.
Protein change: p.Ile11Val; replaces isoleucine 11 with valine.
Molecular consequence: missense variant. On other transcripts: intron variant (1).
Genome position (GRCh38, 1-based): chr7:116,699,115, A>G. VCF-style: chr7-116699115-A-G. GRCh37 (hg19) VCF-style: chr7-116339169-A-G.
Other names: c.31A>G, p.Ile11Val (NM_001127500.3, NM_001324401.3); c.-91+26538A>G (NM_001324402.2); short protein forms I11V.
Identifiers: ClinVar variation 640609 (VCV000640609.10), dbSNP rs1584875601, ClinGen allele CA368968196.

ClinVar aggregate classification (germline): Uncertain significance. Review status: criteria provided, multiple submitters, no conflicts (2 of 4 stars). 2 submissions from 2 submitters: Uncertain significance (2). Last evaluated 2024-07-23.

Conditions:
Hereditary cancer-predisposing syndrome. Also called: Neoplastic Syndromes, Hereditary; Tumor predisposition; Hereditary Cancer Syndrome; Hereditary neoplastic syndrome. Identifiers: Orphanet 140162, MedGen C0027672, MeSH D009386, MONDO:0015356.
Renal cell carcinoma. Identifiers: Orphanet 217071, MedGen C0007134, MeSH D002292, MONDO:0005086, HP:0005584.

Allele frequency attached by ClinVar (database versions not stated): gnomAD exomes below 0.00001.
gnomAD v4.1: 1 of 1,613,914 alleles (0.000062%); highest among the groups gnomAD compares: Non-Finnish European, 0.000085%; no homozygotes.

Submissions (2):

Labcorp Genetics (formerly Invitae), Labcorp
Classification: Uncertain significance for Renal cell carcinoma. Last evaluated: 2024-07-23. Review status: criteria provided, single submitter. Criteria: Invitae Variant Classification Sherloc (09022015). Collection method: clinical testing. Allele origin: germline.
Comment: This sequence change replaces isoleucine, which is neutral and non-polar, with valine, which is neutral and non-polar, at codon 11 of the MET protein (p.Ile11Val). This variant is not present in population databases (gnomAD no frequency). This variant has not been reported in the literature in individuals affected with MET-related conditions. ClinVar contains an entry for this variant (Variation ID: 640609). Advanced modeling of protein sequence and biophysical properties (such as structural, functional, and spatial information, amino acid conservation, physicochemical variation, residue mobility, and thermodynamic stability) performed at Invitae indicates that this missense variant is not expected to disrupt MET protein function with a negative predictive value of 80%. In summary, the available evidence is currently insufficient to determine the role of this variant in disease. Therefore, it has been classified as a Variant of Uncertain Significance.

Ambry Genetics
Classification: Uncertain significance for Hereditary cancer-predisposing syndrome. Last evaluated: 2024-04-28. Review status: criteria provided, single submitter. Criteria: Ambry Variant Classification Scheme 2023. Collection method: clinical testing. Allele origin: germline.
Comment: The p.I11V variant (also known as c.31A>G), located in coding exon 1 of the MET gene, results from an A to G substitution at nucleotide position 31. The isoleucine at codon 11 is replaced by valine, an amino acid with highly similar properties. This amino acid position is conserved. In addition, this alteration is predicted to be tolerated by in silico analysis. Based on the available evidence, the clinical significance of this variant remains unclear.